The following is an entry in ClinVar:

NM_030948.6(PHACTR1):c.251-39323C>G

Gene: PHACTR1 (phosphatase and actin regulator 1; plus strand). Cytogenetic location: 6p24.1.
Variant type: single nucleotide variant.
Coding change: c.251-39323C>G on transcript NM_030948.6 (MANE Select); 39323 bases into the intron before coding-DNA position 251, C replaced by G.
Molecular consequence: intron variant. On other transcripts: missense variant (1).
Genome position (GRCh38, 1-based): chr6:13,014,042, C>G. VCF-style: chr6-13014042-C-G. GRCh37 (hg19) VCF-style: chr6-13014274-C-G.
Other names: c.156C>G, p.Asn52Lys (NM_001322314.4); c.251-39323C>G (NM_001242648.4, NM_001374581.2, NM_001322308.3 and 3 more transcripts); c.-26-39323C>G (NM_001322313.2, NM_001322312.3, NM_001322311.2 and 1 more transcripts); short protein forms N52K.
Identifiers: ClinVar variation 4681584 (VCV004681584.6).
Genomic context (GRCh38, chr6:13,014,042, plus strand): 5'-ACCCAAAAAGAAAGCTTTTTATTTGCTGAGGATGAAGCCCCTGAAGGAGCCCGCCCCCAA[C>G]AACAACAACAACGTGTCCTTTGTGATCCACTGTCAACTAGGCAAGGAGATCAAACACATT-3'

ClinVar aggregate classification (germline): Likely benign. Review status: criteria provided, multiple submitters, no conflicts (2 of 4 stars). 2 submissions from 2 submitters: Likely benign (2). Last evaluated 2025-12-01.

gnomAD v4.1: 79 of 152,094 alleles (0.052%); highest among the groups gnomAD compares: East Asian, 1.1%; no homozygotes.

Submissions (2):

CeGaT Center for Human Genetics Tuebingen
Classification: Likely benign. Last evaluated: 2025-12-01. Review status: criteria provided, single submitter. Criteria: CeGaT Center For Human Genetics Tuebingen Variant Classification Criteria Version 2. Collection method: clinical testing. Allele origin: germline. Affected: yes. Observed: 1 variant allele.
Comment: PHACTR1: PP2, BS1

Blueprint Genetics
Classification: Likely benign. Last evaluated: 2024-06-04. Review status: criteria provided, single submitter. Criteria: ACMG Guidelines, 2015. Collection method: clinical testing. Allele origin: germline.